The following is an entry in ClinVar:

ClinVar aggregate classification (germline): Uncertain significance (1 of 4 stars; one submission).

Allele frequency attached by ClinVar (database versions not stated): gnomAD 0.00001.

Submission:

Labcorp Genetics (formerly Invitae), Labcorp
Classification: Uncertain significance. Last evaluated: 2024-02-24. Review status: criteria provided, single submitter. Criteria: Invitae Variant Classification Sherloc (09022015). Collection method: clinical testing. Allele origin: germline.
Comment: This sequence change replaces methionine, which is neutral and non-polar, with lysine, which is basic and polar, at codon 1517 of the MYO7A protein (p.Met1517Lys). This variant is not present in population databases (gnomAD no frequency). This variant has not been reported in the literature in individuals affected with MYO7A-related conditions. ClinVar contains an entry for this variant (Variation ID: 1396138). Advanced modeling of protein sequence and biophysical properties (such as structural, functional, and spatial information, amino acid conservation, physicochemical variation, residue mobility, and thermodynamic stability) performed at Invitae indicates that this missense variant is not expected to disrupt MYO7A protein function with a negative predictive value of 95%. In summary, the available evidence is currently insufficient to determine the role of this variant in disease. Therefore, it has been classified as a Variant of Uncertain Significance.

NM_000260.4(MYO7A):c.4550T>A (p.Met1517Lys)

Gene: MYO7A (myosin VIIA; plus strand). Cytogenetic location: 11q13.5.
Variant type: single nucleotide variant.
Coding change: c.4550T>A on transcript NM_000260.4 (MANE Select); coding-DNA position 4550, T replaced by A.
Protein change: p.Met1517Lys; replaces methionine 1517 with lysine.
Molecular consequence: missense variant.
Genome position (GRCh38, 1-based): chr11:77,198,603, T>A. VCF-style: chr11-77198603-T-A. GRCh37 (hg19) VCF-style: chr11-76909648-T-A.
Other names: c.4550T>A, p.Met1517Lys (NM_001127180.2); c.4517T>A, p.Met1506Lys (NM_001369365.1); short protein forms M1506K, M1517K.
Identifiers: ClinVar variation 1396138 (VCV001396138.8), dbSNP rs1029283824, ClinGen allele CA224848811.